The following is an entry in ClinVar:

ClinVar aggregate classification (germline): Uncertain significance (1 of 4 stars; one submission).

Allele frequency attached by ClinVar (database versions not stated): ExAC 0.00003; TOPMed 0.00003; gnomAD 0.00005 and 0.00006; gnomAD exomes 0.00005 and 0.00007.
gnomAD v4.1: 105 of 1,614,012 alleles (0.0065%); highest among the groups gnomAD compares: African/African-American, 0.008%; no homozygotes.

Submission:

Labcorp Genetics (formerly Invitae), Labcorp
Classification: Uncertain significance. Last evaluated: 2022-05-25. Review status: criteria provided, single submitter. Criteria: Invitae Variant Classification Sherloc (09022015). Collection method: clinical testing. Allele origin: germline.
Comment: This sequence change replaces threonine, which is neutral and polar, with methionine, which is neutral and non-polar, at codon 173 of the PRKN protein (p.Thr173Met). This variant is present in population databases (rs781608005, gnomAD 0.009%). This missense change has been observed in individual(s) with Parkinson's disease (PMID: 19636047). ClinVar contains an entry for this variant (Variation ID: 1052097). Advanced modeling of protein sequence and biophysical properties (such as structural, functional, and spatial information, amino acid conservation, physicochemical variation, residue mobility, and thermodynamic stability) performed at Invitae indicates that this missense variant is expected to disrupt PRKN protein function. In summary, the available evidence is currently insufficient to determine the role of this variant in disease. Therefore, it has been classified as a Variant of Uncertain Significance.

Literature cited by the submitters: PubMed 19636047.

NM_004562.3(PRKN):c.518C>T (p.Thr173Met)

Genes: PRKN (parkin RBR E3 ubiquitin protein ligase; minus strand), LOC126859871 (MED14-independent group 3 enhancer GRCh37_chr6:162621359-162622558; plus strand). Cytogenetic location: 6q26.
Variant type: single nucleotide variant.
Coding change: c.518C>T on transcript NM_004562.3 (MANE Select); coding-DNA position 518, C replaced by T.
Protein change: p.Thr173Met; replaces threonine 173 with methionine.
Molecular consequence: missense variant. On other transcripts: intron variant (1).
Genome position (GRCh38, 1-based): chr6:162,201,147, G>A on the plus strand (C>T on the coding strand, the complement: PRKN is on the minus strand). VCF-style: chr6-162201147-G-A. GRCh37 (hg19) VCF-style: chr6-162622179-G-A.
Other names: c.518C>T, p.Thr173Met (NM_013987.3); c.172-227730C>T (NM_013988.3); short protein forms T173M.
Identifiers: ClinVar variation 1052097 (VCV001052097.6), dbSNP rs781608005, ClinGen allele CA4090344.
Genomic context (GRCh38, chr6:162,201,147, plus strand): 5'-ATTCATTTTCCTGGCAGTCTCATGCTGACACTGCATTTCCTTACCTGGGTCAAGGTGAGC[G>A]TTGCCTGCCTGCAGGTGCTGCACTGTACCCTGAGTTTTCCCGGCTGCACTCTTTGACAGG-3'
Protein context (NP_004553.2, residues 163-183): RVQCSTCRQA[Thr173Met]LTLTQGPSCW